The following is an entry in ClinVar:

NM_005476.7(GNE):c.1408G>C (p.Val470Leu)

Gene: GNE (glucosamine (UDP-N-acetyl)-2-epimerase/N-acetylmannosamine kinase; minus strand). Cytogenetic location: 9p13.3.
Variant type: single nucleotide variant.
Coding change: c.1408G>C on transcript NM_005476.7 (MANE Select); coding-DNA position 1408, G replaced by C.
Protein change: p.Val470Leu; replaces valine 470 with leucine.
Molecular consequence: missense variant.
Genome position (GRCh38, 1-based): chr9:36,223,376, C>G on the plus strand (G>C on the coding strand, the complement: GNE is on the minus strand). VCF-style: chr9-36223376-C-G. GRCh37 (hg19) VCF-style: chr9-36223373-C-G.
Other names: c.1501G>C, p.Val501Leu (NM_001128227.3); c.1408G>C, p.Val470Leu (NM_001190383.3); c.1078G>C, p.Val360Leu (NM_001190384.3); c.1231G>C, p.Val411Leu (NM_001190388.2, NM_001374798.1); c.1255G>C, p.Val419Leu (NM_001374797.1); short protein forms V470L, V501L, V360L, V411L, V419L.
Identifiers: ClinVar variation 598714 (VCV000598714.9), dbSNP rs749320547, ClinGen allele CA5056495.
Genomic context (GRCh38, chr9:36,223,376, plus strand): 5'-TAGTAAATTTTGTACATTAAAATGAGCATTTCTTGGATTTATAATTTACAATCTTACCTA[C>G]TCCCAAAATTCTGCAGTTCAGTTTTACAGCTTCTGCTGCAGCTTCCACACACATCTGTAG-3'
Protein context (NP_005467.1, residues 460-480): AVKLNCRILG[Val470Leu]GISTGGRVNP

ClinVar aggregate classification (germline): Uncertain significance. Review status: criteria provided, multiple submitters, no conflicts (2 of 4 stars). 3 submissions from 3 submitters: Uncertain significance (3). Last evaluated 2025-09-06.

Conditions:
GNE myopathy (NM). Also called: INCLUSION BODY MYOPATHY, HEREDITARY, AUTOSOMAL RECESSIVE; INCLUSION BODY MYOPATHY 2, AUTOSOMAL RECESSIVE; MYOPATHY, DISTAL, WITH OR WITHOUT RIMMED VACUOLES; NONAKA DISTAL MYOPATHY; IBM 2; Inclusion body myopathy autosomal recessive. Identifiers: Orphanet 602, MedGen C1853926, MONDO:0011603, OMIM 605820.
Sialuria. Also called: SIALURIA, FRENCH TYPE; Sialic Acid Storage Disease. Identifiers: Orphanet 3166, MedGen C0342853, MONDO:0010028, OMIM 269921.

Allele frequency attached by ClinVar (database versions not stated): ExAC 0.00001; gnomAD exomes 0.00002.
gnomAD v4.1: 5 of 1,612,708 alleles (0.00031%); highest among the groups gnomAD compares: Admixed American, 0.0083%; no homozygotes.

Submissions (3):

Labcorp Genetics (formerly Invitae), Labcorp
Classification: Uncertain significance for Sialuria; GNE myopathy. Last evaluated: 2025-09-06. Review status: criteria provided, single submitter. Criteria: Invitae Variant Classification Sherloc (09022015). Collection method: clinical testing. Allele origin: germline.
Comment: This sequence change replaces valine, which is neutral and non-polar, with leucine, which is neutral and non-polar, at codon 501 of the GNE protein (p.Val501Leu). This variant is present in population databases (rs749320547, gnomAD 0.01%). This variant has not been reported in the literature in individuals affected with GNE-related conditions. ClinVar contains an entry for this variant (Variation ID: 598714). Invitae Evidence Modeling of protein sequence and biophysical properties (such as structural, functional, and spatial information, amino acid conservation, physicochemical variation, residue mobility, and thermodynamic stability) has been performed for this missense variant. However, the output from this modeling did not meet the statistical confidence thresholds required to predict the impact of this variant on GNE protein function. In summary, the available evidence is currently insufficient to determine the role of this variant in disease. Therefore, it has been classified as a Variant of Uncertain Significance.

Revvity Omics, Revvity
Classification: Uncertain significance. Last evaluated: 2024-05-27. Review status: criteria provided, single submitter. Criteria: ACMG Guidelines, 2015. Collection method: clinical testing. Allele origin: germline.

Eurofins Ntd Llc (ga)
Classification: Uncertain significance. Last evaluated: 2018-09-14. Review status: criteria provided, single submitter. Criteria: EGL ClinVar v180209 classification definitions. Collection method: clinical testing. Allele origin: germline. Observed: 1 variant allele, 1 heterozygote.